The following is an entry in ClinVar:

NM_001369369.1(FOXN1):c.1701ATC[1] (p.Ser570del)

Gene: FOXN1 (forkhead box N1; plus strand). Cytogenetic location: 17q11.2.
Variant type: Microsatellite.
Coding change: c.1701ATC[1] on transcript NM_001369369.1 (MANE Select); one copy of the 3-base unit ATC starting at c.1701; the reference has two copies in a row; one copy, 3 bases deleted.
Protein change: p.Ser570del; deletes serine 570.
Molecular consequence: inframe deletion.
Genome position (GRCh38, 1-based): chr17:28,537,193-28,537,195, ATC deleted; deleting any 3 consecutive bases within chr17:28,537,189-28,537,195 gives the same sequence; the position shown is the placement nearest the transcript's 3' end. VCF-style (leftmost placement, unchanged base first): chr17-28537188-ACAT-A. GRCh37 (hg19) VCF-style: chr17-26864206-ACAT-A.
Other names: c.1701ATC[1], p.Ser570del (NM_003593.3); c.1704_1706delATC (NM_003593.2); short protein forms S570del.
Identifiers: ClinVar variation 657293 (VCV000657293.7), dbSNP rs1218768690, ClinGen allele CA625774950.

ClinVar aggregate classification (germline): Uncertain significance. Review status: criteria provided, multiple submitters, no conflicts (2 of 4 stars). 2 submissions from 2 submitters: Uncertain significance (2). Last evaluated 2023-12-18.

Conditions:
T-cell immunodeficiency, congenital alopecia, and nail dystrophy. Also called: Congenital alopecia and nail dystrophy associated with severe functional T-cell immunodeficiency; Pignata Guarino syndrome. Identifiers: Orphanet 169095, MedGen C1866426, MONDO:0011132, OMIM 601705.

Submissions (2):

Blueprint Genetics
Classification: Uncertain significance. Last evaluated: 2023-12-18. Review status: criteria provided, single submitter. Criteria: ACMG Guidelines, 2015. Collection method: clinical testing. Allele origin: germline.

Labcorp Genetics (formerly Invitae), Labcorp
Classification: Uncertain significance for T-cell immunodeficiency, congenital alopecia, and nail dystrophy. Last evaluated: 2022-07-19. Review status: criteria provided, single submitter. Criteria: Invitae Variant Classification Sherloc (09022015). Collection method: clinical testing. Allele origin: germline.
Comment: In summary, the available evidence is currently insufficient to determine the role of this variant in disease. Therefore, it has been classified as a Variant of Uncertain Significance. Experimental studies and prediction algorithms are not available or were not evaluated, and the functional significance of this variant is currently unknown. ClinVar contains an entry for this variant (Variation ID: 657293). This variant has not been reported in the literature in individuals affected with FOXN1-related conditions. This variant is not present in population databases (gnomAD no frequency). This variant, c.1704_1706del, results in the deletion of 1 amino acid(s) of the FOXN1 protein (p.Ser570del), but otherwise preserves the integrity of the reading frame.